The following is an entry in ClinVar:

ClinVar aggregate classification (germline): Uncertain significance. Review status: criteria provided, multiple submitters, no conflicts (2 of 4 stars). 3 submissions from 3 submitters: Uncertain significance (3). Last evaluated 2022-03-09.

Conditions:
Inborn genetic diseases. Identifiers: MedGen C0950123, MeSH D030342.
Brown-Vialetto-van Laere syndrome 2. Also called: SPINOCEREBELLAR ATAXIA WITH BLINDNESS AND DEAFNESS 2; Riboflavin transporter deficiency type 2. Identifiers: Orphanet 572543, Orphanet 97229, MedGen C3553538, MONDO:0013867, OMIM 614707.

Allele frequency attached by ClinVar (database versions not stated): ExAC 0.00001.
gnomAD v4.1: 69 of 1,613,554 alleles (0.0043%); highest among the groups gnomAD compares: Non-Finnish European, 0.0054%; no homozygotes.

Submissions (3):

Labcorp Genetics (formerly Invitae), Labcorp
Classification: Uncertain significance for Brown-Vialetto-van Laere syndrome 2. Last evaluated: 2022-03-09. Review status: criteria provided, single submitter. Criteria: Invitae Variant Classification Sherloc (09022015). Collection method: clinical testing. Allele origin: germline.
Comment: This sequence change replaces proline, which is neutral and non-polar, with arginine, which is basic and polar, at codon 9 of the SLC52A2 protein (p.Pro9Arg). This variant is present in population databases (rs782458266, gnomAD 0.002%). This variant has not been reported in the literature in individuals affected with SLC52A2-related conditions. ClinVar contains an entry for this variant (Variation ID: 1304289). Advanced modeling of protein sequence and biophysical properties (such as structural, functional, and spatial information, amino acid conservation, physicochemical variation, residue mobility, and thermodynamic stability) performed at Invitae indicates that this missense variant is not expected to disrupt SLC52A2 protein function. In summary, the available evidence is currently insufficient to determine the role of this variant in disease. Therefore, it has been classified as a Variant of Uncertain Significance.

Ambry Genetics
Classification: Uncertain significance for Inborn genetic diseases. Last evaluated: 2021-12-21. Review status: criteria provided, single submitter. Criteria: Ambry Variant Classification Scheme 2023. Collection method: clinical testing. Allele origin: germline.

GeneDx
Classification: Uncertain significance. Last evaluated: 2020-01-21. Review status: criteria provided, single submitter. Criteria: GeneDx Variant Classification Process June 2021. Collection method: clinical testing. Allele origin: germline. Affected: yes.
Comment: Not observed at a significant frequency in large population cohorts (Lek et al., 2016); In silico analysis, which includes protein predictors and evolutionary conservation, supports that this variant does not alter protein structure/function; Has not been previously published as pathogenic or benign to our knowledge

NM_001363118.2(SLC52A2):c.26C>G (p.Pro9Arg)

Gene: SLC52A2 (solute carrier family 52 member 2; plus strand). Cytogenetic location: 8q24.3.
Variant type: single nucleotide variant.
Coding change: c.26C>G on transcript NM_001363118.2 (MANE Select); coding-DNA position 26, C replaced by G.
Protein change: p.Pro9Arg; replaces proline 9 with arginine.
Molecular consequence: missense variant. On other transcripts: non-coding transcript variant (1).
Genome position (GRCh38, 1-based): chr8:144,359,319, C>G. VCF-style: chr8-144359319-C-G. GRCh37 (hg19) VCF-style: chr8-145582979-C-G.
Other names: c.26C>G (NM_024531.3); c.26C>G, p.Pro9Arg (NM_001253815.2, NM_001253816.2, NM_001363120.2 and 3 more transcripts); short protein forms P9R.
Identifiers: ClinVar variation 1304289 (VCV001304289.5), dbSNP rs782458266, ClinGen allele CA4938071.
Genomic context (GRCh38, chr8:144,359,319, plus strand): 5'-TTGCCCTGACCTGGAAGGGCCCAGCCTTGGGCTGAATGGCAGCACCCACGCCCGCCCGTC[C>G]GGTGCTGACCCACCTGCTGGTGGCTCTCTTCGGCATGGGCTCCTGGGCTGCGGTCAATGG-3'
Protein context (NP_001350047.1, residues 1-19): MAAPTPAR[Pro9Arg]VLTHLLVALF